The following is an entry in ClinVar:

NM_005215.4(DCC):c.163G>C (p.Gly55Arg)

Gene: DCC (DCC netrin 1 receptor; plus strand). Cytogenetic location: 18q21.2.
Variant type: single nucleotide variant.
Coding change: c.163G>C on transcript NM_005215.4 (MANE Select); coding-DNA position 163, G replaced by C.
Protein change: p.Gly55Arg; replaces glycine 55 with arginine.
Molecular consequence: missense variant.
Genome position (GRCh38, 1-based): chr18:52,752,125, G>C. VCF-style: chr18-52752125-G-C. GRCh37 (hg19) VCF-style: chr18-50278495-G-C.
Other names: short protein forms G55R.
Identifiers: ClinVar variation 1305425 (VCV001305425.4), dbSNP rs2145132802, ClinGen allele CA402512905.

ClinVar aggregate classification (germline): Uncertain significance. Review status: criteria provided, multiple submitters, no conflicts (2 of 4 stars). 2 submissions from 2 submitters: Uncertain significance (2). Last evaluated 2022-04-29.

Submissions (2):

Revvity Omics, Revvity
Classification: Uncertain significance. Last evaluated: 2022-04-29. Review status: criteria provided, single submitter. Criteria: ACMG Guidelines, 2015. Collection method: clinical testing. Allele origin: germline.

GeneDx
Classification: Uncertain significance. Last evaluated: 2021-06-01. Review status: criteria provided, single submitter. Criteria: GeneDx Variant Classification Process June 2021. Collection method: clinical testing. Allele origin: germline. Affected: yes.
Comment: Not observed at significant frequency in large population cohorts (Lek 2006).; In silico analysis, which includes protein predictors and evolutionary conservation, supports that this variant does not alter protein structure/function; Has not been previously published as pathogenic or benign to our knowledge; This variant is associated with the following publications: (PMID: 27535533)